The following is an entry in ClinVar:

ClinVar aggregate classification (germline): Uncertain significance. Review status: criteria provided, multiple submitters, no conflicts (2 of 4 stars). 3 submissions from 3 submitters: Uncertain significance (3). Last evaluated 2025-08-04.

Conditions:
Pontocerebellar hypoplasia type 2A (PCH2A). Also called: PONTOCEREBELLAR HYPOPLASIA WITH PROGRESSIVE CEREBRAL ATROPHY; VOLENDAM NEURODEGENERATIVE DISEASE. Identifiers: Orphanet 2524, MedGen C1848526, MONDO:0010190, OMIM 277470.
Pontocerebellar hypoplasia type 5 (PCH5). Also called: Pontocerebellar Hypoplasia Type 5 (PCH5). Identifiers: Orphanet 166068, MedGen C1857762, MONDO:0012438, OMIM 610204.
Pontocerebellar hypoplasia type 4 (PCH4). Also called: Pontocerebellar Hypoplasia Type 4 (PCH4). Identifiers: Orphanet 166063, MedGen C1856974, MONDO:0009166, OMIM 225753.
Inborn genetic diseases. Identifiers: MedGen C0950123, MeSH D030342.

Allele frequency attached by ClinVar (database versions not stated): gnomAD 0.00001 and 0.00003; gnomAD exomes 0.00001 and 0.00004; TOPMed 0.00002; ExAC 0.00004; 1000 Genomes Project 0.00060; 1000 Genomes Project 30x 0.00078.
gnomAD v4.1: 25 of 1,605,186 alleles (0.0016%); highest among the groups gnomAD compares: East Asian, 0.032%; no homozygotes.

Submissions (3):

Ambry Genetics
Classification: Uncertain significance for Inborn genetic diseases. Last evaluated: 2025-08-04. Review status: criteria provided, single submitter. Criteria: Ambry Variant Classification Scheme 2023. Collection method: clinical testing. Allele origin: germline.

Labcorp Genetics (formerly Invitae), Labcorp
Classification: Uncertain significance. Last evaluated: 2022-08-09. Review status: criteria provided, single submitter. Criteria: Invitae Variant Classification Sherloc (09022015). Collection method: clinical testing. Allele origin: germline.
Comment: This sequence change replaces phenylalanine, which is neutral and non-polar, with leucine, which is neutral and non-polar, at codon 303 of the TSEN54 protein (p.Phe303Leu). This variant is present in population databases (rs199874361, gnomAD 0.02%). This variant has not been reported in the literature in individuals affected with TSEN54-related conditions. ClinVar contains an entry for this variant (Variation ID: 1492264). Algorithms developed to predict the effect of missense changes on protein structure and function are either unavailable or do not agree on the potential impact of this missense change (SIFT: "Tolerated"; PolyPhen-2: "Probably Damaging"; Align-GVGD: "Class C0"). In summary, the available evidence is currently insufficient to determine the role of this variant in disease. Therefore, it has been classified as a Variant of Uncertain Significance.

Department of Pathology and Laboratory Medicine, Sinai Health System
Classification: Uncertain significance for Pontocerebellar hypoplasia type 4; Pontocerebellar hypoplasia type 2A; Pontocerebellar hypoplasia type 5. Last evaluated: 2021-12-06. Review status: criteria provided, single submitter. Criteria: ACMG Guidelines, 2015. Collection method: research. Allele origin: germline.

NM_207346.3(TSEN54):c.909C>G (p.Phe303Leu)

Gene: TSEN54 (tRNA splicing endonuclease subunit 54; plus strand). Cytogenetic location: 17q25.1.
Variant type: single nucleotide variant.
Coding change: c.909C>G on transcript NM_207346.3 (MANE Select); coding-DNA position 909, C replaced by G.
Protein change: p.Phe303Leu; replaces phenylalanine 303 with leucine.
Molecular consequence: missense variant.
Genome position (GRCh38, 1-based): chr17:75,521,990, C>G. VCF-style: chr17-75521990-C-G. GRCh37 (hg19) VCF-style: chr17-73518071-C-G.
Other names: c.909C>G (NM_207346.2); short protein forms F303L.
Identifiers: ClinVar variation 1492264 (VCV001492264.7), dbSNP rs199874361, ClinGen allele CA8764303.